The following is an entry in ClinVar:

NM_198586.3(NHLRC1):c.820G>A (p.Gly274Arg)

Gene: NHLRC1 (NHL repeat containing E3 ubiquitin protein ligase 1; minus strand). Cytogenetic location: 6p22.3.
Variant type: single nucleotide variant.
Coding change: c.820G>A on transcript NM_198586.3 (MANE Select); coding-DNA position 820, G replaced by A.
Protein change: p.Gly274Arg; replaces glycine 274 with arginine.
Molecular consequence: missense variant.
Genome position (GRCh38, 1-based): chr6:18,121,787, C>T on the plus strand (G>A on the coding strand, the complement: NHLRC1 is on the minus strand). VCF-style: chr6-18121787-C-T. GRCh37 (hg19) VCF-style: chr6-18122018-C-T.
Other names: short protein forms G274R.
Identifiers: ClinVar variation 804790 (VCV000804790.5), dbSNP rs568213488, ClinGen allele CA362826023.

ClinVar aggregate classification (germline): Uncertain significance. Review status: criteria provided, multiple submitters, no conflicts (2 of 4 stars). 2 submissions from 2 submitters: Uncertain significance (2). Last evaluated 2023-08-17.

Conditions:
Lafora disease. Also called: Epilepsy progressive myoclonic 2. Identifiers: Orphanet 501, MedGen C0751783, MONDO:0009697.

Allele frequency attached by ClinVar (database versions not stated): TOPMed 0.00001.
gnomAD v4.1: 3 of 1,613,936 alleles (0.00019%); highest among the groups gnomAD compares: African/African-American, 0.0013%; no homozygotes.

Submissions (2):

Labcorp Genetics (formerly Invitae), Labcorp
Classification: Uncertain significance for Lafora disease. Last evaluated: 2023-08-17. Review status: criteria provided, single submitter. Criteria: Invitae Variant Classification Sherloc (09022015). Collection method: clinical testing. Allele origin: germline.
Comment: In summary, the available evidence is currently insufficient to determine the role of this variant in disease. Therefore, it has been classified as a Variant of Uncertain Significance. Advanced modeling of protein sequence and biophysical properties (such as structural, functional, and spatial information, amino acid conservation, physicochemical variation, residue mobility, and thermodynamic stability) has been performed at Invitae for this missense variant, however the output from this modeling did not meet the statistical confidence thresholds required to predict the impact of this variant on NHLRC1 protein function. ClinVar contains an entry for this variant (Variation ID: 804790). This variant has not been reported in the literature in individuals affected with NHLRC1-related conditions. This variant is not present in population databases (gnomAD no frequency). This sequence change replaces glycine, which is neutral and non-polar, with arginine, which is basic and polar, at codon 274 of the NHLRC1 protein (p.Gly274Arg).

Athena Diagnostics
Classification: Uncertain significance. Last evaluated: 2018-11-05. Review status: criteria provided, single submitter. Criteria: Athena Diagnostics Criteria. Collection method: clinical testing. Allele origin: germline.